The following is an entry in ClinVar:

ClinVar aggregate classification (germline): Uncertain significance (1 of 4 stars; one submission).

Conditions:
Diffuse cerebral and cerebellar atrophy - intractable seizures - progressive microcephaly syndrome. Also called: Microcephaly, progressive, with seizures and cerebral and cerebellar atrophy. Identifiers: Orphanet 404437, MedGen C4014239, MONDO:0014335, OMIM 615760.

Allele frequency attached by ClinVar (database versions not stated): TOPMed below 0.00001; gnomAD exomes 0.00001.
gnomAD v4.1: 8 of 1,613,952 alleles (0.0005%); highest among the groups gnomAD compares: Non-Finnish European, 0.00068%; no homozygotes.

Submission:

Labcorp Genetics (formerly Invitae), Labcorp
Classification: Uncertain significance for Diffuse cerebral and cerebellar atrophy - intractable seizures - progressive microcephaly syndrome. Last evaluated: 2022-03-14. Review status: criteria provided, single submitter. Criteria: Invitae Variant Classification Sherloc (09022015). Collection method: clinical testing. Allele origin: germline.
Comment: This sequence change falls in intron 1 of the QARS gene. It does not directly change the encoded amino acid sequence of the QARS protein. It affects a nucleotide within the consensus splice site. This variant is not present in population databases (gnomAD no frequency). This variant has not been reported in the literature in individuals affected with QARS-related conditions. Variants that disrupt the consensus splice site are a relatively common cause of aberrant splicing (PMID: 17576681, 9536098). Algorithms developed to predict the effect of sequence changes on RNA splicing suggest that this variant is not likely to affect RNA splicing. In summary, the available evidence is currently insufficient to determine the role of this variant in disease. Therefore, it has been classified as a Variant of Uncertain Significance.

Literature cited by the submitters: PubMed 17576681; PubMed 9536098.

NM_005051.3(QARS1):c.118-3C>T

Gene: QARS1 (glutaminyl-tRNA synthetase 1; minus strand). Cytogenetic location: 3p21.31.
Variant type: single nucleotide variant.
Coding change: c.118-3C>T on transcript NM_005051.3 (MANE Select); 3 bases into the intron before coding-DNA position 118, C replaced by T.
Molecular consequence: intron variant.
Genome position (GRCh38, 1-based): chr3:49,104,474, G>A on the plus strand (C>T on the coding strand, the complement: QARS1 is on the minus strand). VCF-style: chr3-49104474-G-A. GRCh37 (hg19) VCF-style: chr3-49141907-G-A.
Other names: c.118-3C>T (NM_001272073.2).
Identifiers: ClinVar variation 2081146 (VCV002081146.4), dbSNP rs1314599217, ClinGen allele CA907797460.